The following is an entry in ClinVar:

NM_001195518.2(MICU1):c.613T>A (p.Ser205Thr)

Gene: MICU1 (mitochondrial calcium uptake 1; minus strand). Cytogenetic location: 10q22.1.
Variant type: single nucleotide variant.
Coding change: c.613T>A on transcript NM_001195518.2 (MANE Select); coding-DNA position 613, T replaced by A.
Protein change: p.Ser205Thr; replaces serine 205 with threonine.
Molecular consequence: missense variant. On other transcripts: intron variant (1).
Genome position (GRCh38, 1-based): chr10:72,508,194, A>T on the plus strand (T>A on the coding strand, the complement: MICU1 is on the minus strand). VCF-style: chr10-72508194-A-T. GRCh37 (hg19) VCF-style: chr10-74267952-A-T.
Other names: c.619T>A (NM_006077.3); c.631T>A, p.Ser211Thr (NM_001363513.2); c.619T>A, p.Ser207Thr (NM_006077.4); c.58+15608T>A (NM_001195519.2); short protein forms S205T, S211T, S207T.
Identifiers: ClinVar variation 1927836 (VCV001927836.6), dbSNP rs761737913, ClinGen allele CA5550197.

ClinVar aggregate classification (germline): Uncertain significance. Review status: criteria provided, multiple submitters, no conflicts (2 of 4 stars). 2 submissions from 2 submitters: Uncertain significance (2). Last evaluated 2022-10-03.

Allele frequency attached by ClinVar (database versions not stated): gnomAD exomes 0.00001; ExAC 0.00002.
gnomAD v4.1: 8 of 1,550,448 alleles (0.00052%); highest among the groups gnomAD compares: Middle Eastern, 0.017%; no homozygotes.

Submissions (2):

GeneDx
Classification: Uncertain significance. Last evaluated: 2022-10-03. Review status: criteria provided, single submitter. Criteria: GeneDx Variant Classification Process June 2021. Collection method: clinical testing. Allele origin: germline. Affected: yes.
Comment: Not observed at significant frequency in large population cohorts (gnomAD); In silico analysis supports that this missense variant does not alter protein structure/function; Has not been previously published as pathogenic or benign to our knowledge

Labcorp Genetics (formerly Invitae), Labcorp
Classification: Uncertain significance. Last evaluated: 2022-08-11. Review status: criteria provided, single submitter. Criteria: Invitae Variant Classification Sherloc (09022015). Collection method: clinical testing. Allele origin: germline.
Comment: This variant is present in population databases (rs761737913, gnomAD 0.002%). This sequence change replaces serine, which is neutral and polar, with threonine, which is neutral and polar, at codon 207 of the MICU1 protein (p.Ser207Thr). This variant has not been reported in the literature in individuals affected with MICU1-related conditions. In summary, the available evidence is currently insufficient to determine the role of this variant in disease. Therefore, it has been classified as a Variant of Uncertain Significance. Algorithms developed to predict the effect of missense changes on protein structure and function are either unavailable or do not agree on the potential impact of this missense change (SIFT: "Tolerated"; PolyPhen-2: "Not Available"; Align-GVGD: "Class C0").